The following is an entry in ClinVar:

ClinVar aggregate classification (germline): Uncertain significance (1 of 4 stars; one submission).

Conditions:
Inborn genetic diseases. Identifiers: MedGen C0950123, MeSH D030342.

Allele frequency attached by ClinVar (database versions not stated): gnomAD exomes below 0.00001.
gnomAD v4.1: 1 of 1,613,400 alleles (0.000062%); highest among the groups gnomAD compares: Non-Finnish European, 0.000085%; no homozygotes.

Submission:

Ambry Genetics
Classification: Uncertain significance for Inborn genetic diseases. Last evaluated: 2023-01-16. Review status: criteria provided, single submitter. Criteria: Ambry Variant Classification Scheme 2023. Collection method: clinical testing. Allele origin: germline.
Comment: The p.I1448N variant (also known as c.4343T>A), located in coding exon 31 of the LRRK2 gene, results from a T to A substitution at nucleotide position 4343. The isoleucine at codon 1448 is replaced by asparagine, an amino acid with dissimilar properties. This amino acid position is conserved. In addition, this alteration is predicted to be deleterious by in silico analysis. Since supporting evidence is limited at this time, the clinical significance of this alteration remains unclear.

NM_198578.4(LRRK2):c.4343T>A (p.Ile1448Asn)

Gene: LRRK2 (leucine rich repeat kinase 2; plus strand). Cytogenetic location: 12q12.
Variant type: single nucleotide variant.
Coding change: c.4343T>A on transcript NM_198578.4 (MANE Select); coding-DNA position 4343, T replaced by A.
Protein change: p.Ile1448Asn; replaces isoleucine 1448 with asparagine.
Molecular consequence: missense variant.
Genome position (GRCh38, 1-based): chr12:40,310,456, T>A. VCF-style: chr12-40310456-T-A. GRCh37 (hg19) VCF-style: chr12-40704258-T-A.
Other names: short protein forms I1448N.
Identifiers: ClinVar variation 2447257 (VCV002447257.2), dbSNP rs2499826885, ClinGen allele CA384418297.
Genomic context (GRCh38, chr12:40,310,456, plus strand): 5'-GCAAACACAAGAGGGTTTTGTGTCTTTCCCTCCAGGCTCGCGCTTCTTCTTCCCCTGTGA[T>A]TCTCGTTGGCACACATTTGGATGTTTCTGATGAGAAGCAACGCAAAGCCTGCATGAGTAA-3'
Protein context (NP_940980.4, residues 1438-1458): IKARASSSPV[Ile1448Asn]LVGTHLDVSD